The following is an entry in ClinVar:

NM_014915.3(ANKRD26):c.710T>C (p.Val237Ala)

Gene: ANKRD26 (ankyrin repeat domain 26; minus strand). Cytogenetic location: 10p12.1.
Variant type: single nucleotide variant.
Coding change: c.710T>C on transcript NM_014915.3 (MANE Select); coding-DNA position 710, T replaced by C.
Protein change: p.Val237Ala; replaces valine 237 with alanine.
Molecular consequence: missense variant.
Genome position (GRCh38, 1-based): chr10:27,082,833, A>G on the plus strand (T>C on the coding strand, the complement: ANKRD26 is on the minus strand). VCF-style: chr10-27082833-A-G. GRCh37 (hg19) VCF-style: chr10-27371762-A-G.
Other names: c.710T>C, p.Val237Ala (NM_001256053.2); short protein forms V237A.
Identifiers: ClinVar variation 1337501 (VCV001337501.9), dbSNP rs1372668588, ClinGen allele CA376365389.

ClinVar aggregate classification (germline): Uncertain significance. Review status: criteria provided, multiple submitters, no conflicts (2 of 4 stars). 4 submissions from 4 submitters: Uncertain significance (4). Last evaluated 2024-12-22.

Conditions:
Inborn genetic diseases. Identifiers: MedGen C0950123, MeSH D030342.

gnomAD v4.1: 5 of 1,589,152 alleles (0.00031%); highest among the groups gnomAD compares: Non-Finnish European, 0.00026%; no homozygotes.

Submissions (4):

Ambry Genetics
Classification: Uncertain significance for Inborn genetic diseases. Last evaluated: 2024-12-22. Review status: criteria provided, single submitter. Criteria: Ambry Variant Classification Scheme 2023. Collection method: clinical testing. Allele origin: germline.
Comment: The p.V237A variant (also known as c.710T>C) is located in coding exon 6 of the ANKRD26 gene. The valine at codon 237 is replaced by alanine, an amino acid with similar properties. This change occurs in the first base pair of coding exon 6. This amino acid position is conserved. In addition, this alteration is predicted to be tolerated by in silico analysis. Based on the available evidence, the clinical significance of this variant remains unclear.

GeneDx
Classification: Uncertain significance. Last evaluated: 2024-09-03. Review status: criteria provided, single submitter. Criteria: GeneDx Variant Classification Process June 2021. Collection method: clinical testing. Allele origin: germline. Affected: yes.
Comment: Not observed at significant frequency in large population cohorts (gnomAD); In silico analysis indicates that this missense variant does not alter protein structure/function; Has not been previously published as pathogenic or benign to our knowledge

Labcorp Genetics (formerly Invitae), Labcorp
Classification: Uncertain significance. Last evaluated: 2024-06-24. Review status: criteria provided, single submitter. Criteria: Invitae Variant Classification Sherloc (09022015). Collection method: clinical testing. Allele origin: germline.
Comment: This sequence change replaces valine, which is neutral and non-polar, with alanine, which is neutral and non-polar, at codon 237 of the ANKRD26 protein (p.Val237Ala). This variant is not present in population databases (gnomAD no frequency). This variant has not been reported in the literature in individuals affected with ANKRD26-related conditions. ClinVar contains an entry for this variant (Variation ID: 1337501). Algorithms developed to predict the effect of missense changes on protein structure and function output the following: SIFT: "Not Available"; PolyPhen-2: "Benign"; Align-GVGD: "Not Available". The alanine amino acid residue is found in multiple mammalian species, which suggests that this missense change does not adversely affect protein function. In summary, the available evidence is currently insufficient to determine the role of this variant in disease. Therefore, it has been classified as a Variant of Uncertain Significance.

Genetic Services Laboratory, University of Chicago
Classification: Uncertain significance. Last evaluated: 2020-01-08. Review status: criteria provided, single submitter. Criteria: ACMG Guidelines, 2015. Collection method: clinical testing. Allele origin: germline. Affected: no.
Comment: DNA sequence analysis of the ANKRD26 gene demonstrated a sequence change, c.710T>C, in exon 6 that results in an amino acid change, p.Val237Ala. This sequence change does not appear to have been previously described in patients with ANKRD26-related disorders and has also not been described in population databases (gnomAD, ExAC). The p.Val237Ala change affects a poorly conserved amino acid residue located in a domain of the ANKRD26 protein that is not known to be functional. The p.Val237Ala substitution appears to be benign using several in-silico pathogenicity prediction tools (SIFT, PolyPhen2, Align GVGD, REVEL). Due to these contrasting evidences and the lack of functional studies, the clinical significance of the p.Val237Ala change remains unknown at this time.